The following is an entry in ClinVar:

ClinVar aggregate classification (germline): Uncertain significance. Review status: criteria provided, multiple submitters, no conflicts (2 of 4 stars). 2 submissions from 2 submitters: Uncertain significance (2). Last evaluated 2025-07-20.

Conditions:
Episodic ataxia type 2 (EA2). Also called: ATAXIA, EPISODIC, WITH NYSTAGMUS; ATAXIA, FAMILIAL PAROXYSMAL; ACETAZOLAMIDE-RESPONSIVE HEREDITARY PAROXYSMAL CEREBELLAR ATAXIA; CEREBELLAR ATAXIA, PAROXYSMAL, ACETAZOLAMIDE-RESPONSIVE; CEREBELLOPATHY, HEREDITARY PAROXYSMAL; EPISODIC ATAXIA, NYSTAGMUS-ASSOCIATED. Identifiers: Orphanet 97, MedGen C1720416, MONDO:0007163, OMIM 108500.
Developmental and epileptic encephalopathy, 42 (DEE42A). Also called: Epileptic encephalopathy, early infantile, 42; DEVELOPMENTAL AND EPILEPTIC ENCEPHALOPATHY 42A; EPILEPTIC ENCEPHALOPATHY, EARLY INFANTILE, 42A. Identifiers: MedGen C4310716, MONDO:0014917, OMIM 617106.
Inborn genetic diseases. Identifiers: MedGen C0950123, MeSH D030342.

gnomAD v4.1: 1 of 1,490,796 alleles (0.000067%); highest among the groups gnomAD compares: Non-Finnish European, 0.000089%; no homozygotes.

Submissions (2):

Labcorp Genetics (formerly Invitae), Labcorp
Classification: Uncertain significance for Developmental and epileptic encephalopathy, 42; Episodic ataxia type 2. Last evaluated: 2025-07-20. Review status: criteria provided, single submitter. Criteria: Invitae Variant Classification Sherloc (09022015). Collection method: clinical testing. Allele origin: germline.
Comment: This sequence change replaces lysine, which is basic and polar, with asparagine, which is neutral and polar, at codon 973 of the CACNA1A protein (p.Lys973Asn). This variant is not present in population databases (gnomAD no frequency). This variant has not been reported in the literature in individuals affected with CACNA1A-related conditions. ClinVar contains an entry for this variant (Variation ID: 3763842). Invitae Evidence Modeling of protein sequence and biophysical properties (such as structural, functional, and spatial information, amino acid conservation, physicochemical variation, residue mobility, and thermodynamic stability) indicates that this missense variant is not expected to disrupt CACNA1A protein function with a negative predictive value of 95%. In summary, the available evidence is currently insufficient to determine the role of this variant in disease. Therefore, it has been classified as a Variant of Uncertain Significance.

Ambry Genetics
Classification: Uncertain significance for Inborn genetic diseases. Last evaluated: 2025-01-08. Review status: criteria provided, single submitter. Criteria: Ambry Variant Classification Scheme 2023. Collection method: clinical testing. Allele origin: germline.

NM_001127222.2(CACNA1A):c.2916G>C (p.Lys972Asn)

Gene: CACNA1A (calcium voltage-gated channel subunit alpha1 A; minus strand). Cytogenetic location: 19p13.13.
Variant type: single nucleotide variant.
Coding change: c.2916G>C on transcript NM_001127222.2 (MANE Select); coding-DNA position 2916, G replaced by C.
Protein change: p.Lys972Asn; replaces lysine 972 with asparagine.
Molecular consequence: missense variant.
Genome position (GRCh38, 1-based): chr19:13,298,717, C>G on the plus strand (G>C on the coding strand, the complement: CACNA1A is on the minus strand). VCF-style: chr19-13298717-C-G. GRCh37 (hg19) VCF-style: chr19-13409531-C-G.
Other names: c.2928G>C, p.Lys976Asn (NM_000068.4, NM_023035.3); c.2919G>C, p.Lys973Asn (NM_001127221.2, NM_001174080.2); short protein forms K972N, K973N, K976N.
Identifiers: ClinVar variation 3763842 (VCV003763842.3).
Genomic context (GRCh38, chr19:13,298,717, plus strand): 5'-CTCGCCCTCGCCGCCCCGGGCCGGCCGGCTGCCCTCGCGGTGCCGCGCCCTCCGCTCCGC[C>G]TTGTCCTCCGGACCCTCCTCCCCGGGCCTGCGGTGCGCGCGATGACGTCGATGCTCCCCG-3'
Protein context (NP_001120694.1, residues 962-982): RRPGEEGPED[Lys972Asn]AERRARHREG